The following is an entry in ClinVar:

ClinVar aggregate classification (germline): Uncertain significance (1 of 4 stars; one submission).

Submission:

Labcorp Genetics (formerly Invitae), Labcorp
Classification: Uncertain significance. Last evaluated: 2024-09-27. Review status: criteria provided, single submitter. Criteria: Invitae Variant Classification Sherloc (09022015). Collection method: clinical testing. Allele origin: germline.
Comment: This sequence change replaces histidine, which is basic and polar, with proline, which is neutral and non-polar, at codon 837 of the DOCK6 protein (p.His837Pro). This variant is not present in population databases (gnomAD no frequency). This variant has not been reported in the literature in individuals affected with DOCK6-related conditions. Invitae Evidence Modeling of protein sequence and biophysical properties (such as structural, functional, and spatial information, amino acid conservation, physicochemical variation, residue mobility, and thermodynamic stability) indicates that this missense variant is not expected to disrupt DOCK6 protein function with a negative predictive value of 80%. In summary, the available evidence is currently insufficient to determine the role of this variant in disease. Therefore, it has been classified as a Variant of Uncertain Significance.

NM_020812.4(DOCK6):c.2510A>C (p.His837Pro)

Gene: DOCK6 (dedicator of cytokinesis 6; minus strand). Cytogenetic location: 19p13.2.
Variant type: single nucleotide variant.
Coding change: c.2510A>C on transcript NM_020812.4 (MANE Select); coding-DNA position 2510, A replaced by C.
Protein change: p.His837Pro; replaces histidine 837 with proline.
Molecular consequence: missense variant.
Genome position (GRCh38, 1-based): chr19:11,235,642, T>G on the plus strand (A>C on the coding strand, the complement: DOCK6 is on the minus strand). VCF-style: chr19-11235642-T-G. GRCh37 (hg19) VCF-style: chr19-11346318-T-G.
Other names: c.2510A>C, p.His837Pro (NM_001367830.1); short protein forms H837P.
Identifiers: ClinVar variation 3646756 (VCV003646756.2).
Genomic context (GRCh38, chr19:11,235,642, plus strand): 5'-ATTTCTACAAACTCACCATCCGGGAGGCTGGGCTCAGTGCCAGGAAGGCGAAAGGCGTAG[T>G]GGACGTAGGCAGCCAGCTGTGGGCAGTGACCGCGGGCATCCTGGGCTGCCTCCAGGCTCC-3'
Protein context (NP_065863.2, residues 827-847): GHCPQLAAYV[His837Pro]YAFRLPGTEP